The following is an entry in ClinVar:

NM_001845.6(COL4A1):c.67A>G (p.Ser23Gly)

Gene: COL4A1 (collagen type IV alpha 1 chain; minus strand). Cytogenetic location: 13q34.
Variant type: single nucleotide variant.
Coding change: c.67A>G on transcript NM_001845.6 (MANE Select); coding-DNA position 67, A replaced by G.
Protein change: p.Ser23Gly; replaces serine 23 with glycine.
Molecular consequence: missense variant.
Genome position (GRCh38, 1-based): chr13:110,306,961, T>C on the plus strand (A>G on the coding strand, the complement: COL4A1 is on the minus strand). VCF-style: chr13-110306961-T-C. GRCh37 (hg19) VCF-style: chr13-110959308-T-C.
Other names: c.67A>G, p.Ser23Gly (NM_001303110.2); short protein forms S23G.
Identifiers: ClinVar variation 1717087 (VCV001717087.5), dbSNP rs2501838446, ClinGen allele CA388732514.

ClinVar aggregate classification (germline): Uncertain significance (1 of 4 stars; one submission).

Allele frequency attached by ClinVar (database versions not stated): gnomAD exomes 0.00001.
gnomAD v4.1: 3 of 1,475,600 alleles (0.0002%); highest among the groups gnomAD compares: Non-Finnish European, 0.00027%; no homozygotes.

Submission:

Labcorp Genetics (formerly Invitae), Labcorp
Classification: Uncertain significance. Last evaluated: 2022-08-20. Review status: criteria provided, single submitter. Criteria: Invitae Variant Classification Sherloc (09022015). Collection method: clinical testing. Allele origin: germline.
Comment: This sequence change replaces serine, which is neutral and polar, with glycine, which is neutral and non-polar, at codon 23 of the COL4A1 protein (p.Ser23Gly). In summary, the available evidence is currently insufficient to determine the role of this variant in disease. Therefore, it has been classified as a Variant of Uncertain Significance. Advanced modeling of protein sequence and biophysical properties (such as structural, functional, and spatial information, amino acid conservation, physicochemical variation, residue mobility, and thermodynamic stability) performed at Invitae indicates that this missense variant is not expected to disrupt COL4A1 protein function. This variant has not been reported in the literature in individuals affected with COL4A1-related conditions. This variant is not present in population databases (gnomAD no frequency).